The following is an entry in ClinVar:

NM_015073.3(SIPA1L3):c.3144-8C>T

Gene: SIPA1L3 (signal induced proliferation associated 1 like 3; plus strand). Cytogenetic location: 19q13.13.
Variant type: single nucleotide variant.
Coding change: c.3144-8C>T on transcript NM_015073.3 (MANE Select); 8 bases into the intron before coding-DNA position 3144, C replaced by T.
Molecular consequence: intron variant.
Genome position (GRCh38, 1-based): chr19:38,141,176, C>T. VCF-style: chr19-38141176-C-T. GRCh37 (hg19) VCF-style: chr19-38631816-C-T.
Other names: c.3144-8C>T (NM_015073.2).
Identifiers: ClinVar variation 2084917 (VCV002084917.7), dbSNP rs200615573, ClinGen allele CA9409904.

ClinVar aggregate classification (germline): Benign/Likely benign. Review status: criteria provided, multiple submitters, no conflicts (2 of 4 stars). 3 submissions from 3 submitters: Benign (1); Likely benign (1). 1 of the submissions does not count toward it. Last evaluated 2026-07-01.

Conditions:
SIPA1L3-related disorder. Also called: SIPA1L3-related condition.

Allele frequency attached by ClinVar (database versions not stated): gnomAD exomes 0.00012; ExAC 0.00045; ESP Exome Variant Server 0.00116; gnomAD 0.00129; TOPMed 0.00163; 1000 Genomes Project 0.00180; 1000 Genomes Project 30x 0.00187.
gnomAD v4.1: 381 of 1,548,558 alleles (0.025%); highest among the groups gnomAD compares: African/African-American, 0.45%; 4 homozygotes.

Submissions (3):

CeGaT Center for Human Genetics Tuebingen
Classification: Likely benign. Last evaluated: 2026-07-01. Review status: criteria provided, single submitter. Criteria: CeGaT Center For Human Genetics Tuebingen Variant Classification Criteria Version 2. Collection method: clinical testing. Allele origin: germline. Affected: yes. Observed: 1 variant allele.
Comment: SIPA1L3: BP4

Labcorp Genetics (formerly Invitae), Labcorp
Classification: Benign. Last evaluated: 2025-04-17. Review status: criteria provided, single submitter. Criteria: Invitae Variant Classification Sherloc (09022015). Collection method: clinical testing. Allele origin: germline.

PreventionGenetics, part of Exact Sciences
Classification: Likely benign for SIPA1L3-related condition. Last evaluated: 2019-10-04. Review status: no assertion criteria provided. Collection method: clinical testing. Allele origin: germline. Not counted in ClinVar's aggregate classification.
Comment: This variant is classified as likely benign based on ACMG/AMP sequence variant interpretation guidelines (Richards et al. 2015 PMID: 25741868, with internal and published modifications).